The following is an entry in ClinVar:

NM_000199.5(SGSH):c.147C>G (p.His49Gln)

Gene: SGSH (N-sulfoglucosamine sulfohydrolase; minus strand). Cytogenetic location: 17q25.3.
Variant type: single nucleotide variant.
Coding change: c.147C>G on transcript NM_000199.5 (MANE Select); coding-DNA position 147, C replaced by G.
Protein change: p.His49Gln; replaces histidine 49 with glutamine.
Molecular consequence: missense variant. On other transcripts: non-coding transcript variant (1).
Genome position (GRCh38, 1-based): chr17:80,217,134, G>C on the plus strand (C>G on the coding strand, the complement: SGSH is on the minus strand). VCF-style: chr17-80217134-G-C. GRCh37 (hg19) VCF-style: chr17-78190933-G-C.
Other names: c.147C>G, p.His49Gln (NM_001352921.3, NM_001352922.2); short protein forms H49Q.
Identifiers: ClinVar variation 1683929 (VCV001683929.2), dbSNP rs780614886, ClinGen allele CA294900052.

ClinVar aggregate classification (germline): Uncertain significance (1 of 4 stars; one submission).

gnomAD v4.1: 10 of 1,601,260 alleles (0.00062%); highest among the groups gnomAD compares: Non-Finnish European, 0.00085%; no homozygotes.

Submission:

GeneDx
Classification: Uncertain significance. Last evaluated: 2022-05-05. Review status: criteria provided, single submitter. Criteria: GeneDx Variant Classification Process June 2021. Collection method: clinical testing. Allele origin: germline. Affected: yes.
Comment: Not observed at significant frequency in large population cohorts (gnomAD); In silico analysis supports that this missense variant has a deleterious effect on protein structure/function; Has not been previously published as pathogenic or benign to our knowledge